The following is an entry in ClinVar:

NM_016247.4(IMPG2):c.871C>T (p.Arg291Cys)

Gene: IMPG2 (interphotoreceptor matrix proteoglycan 2; minus strand). Cytogenetic location: 3q12.3.
Variant type: single nucleotide variant.
Coding change: c.871C>T on transcript NM_016247.4 (MANE Select); coding-DNA position 871, C replaced by T.
Protein change: p.Arg291Cys; replaces arginine 291 with cysteine.
Molecular consequence: missense variant.
Genome position (GRCh38, 1-based): chr3:101,269,531, G>A on the plus strand (C>T on the coding strand, the complement: IMPG2 is on the minus strand). VCF-style: chr3-101269531-G-A. GRCh37 (hg19) VCF-style: chr3-100988375-G-A.
Other names: short protein forms R291C.
Identifiers: ClinVar variation 1046682 (VCV001046682.9), dbSNP rs372789677, ClinGen allele CA2519346.

ClinVar aggregate classification (germline): Uncertain significance. Review status: criteria provided, multiple submitters, no conflicts (2 of 4 stars). 2 submissions from 2 submitters: Uncertain significance (2). Last evaluated 2022-09-27.

Allele frequency attached by ClinVar (database versions not stated): ExAC 0.00001; gnomAD exomes 0.00001; TOPMed 0.00001; ESP Exome Variant Server 0.00008.

Submissions (2):

Labcorp Genetics (formerly Invitae), Labcorp
Classification: Uncertain significance. Last evaluated: 2022-09-27. Review status: criteria provided, single submitter. Criteria: Invitae Variant Classification Sherloc (09022015). Collection method: clinical testing. Allele origin: germline.
Comment: In summary, the available evidence is currently insufficient to determine the role of this variant in disease. Therefore, it has been classified as a Variant of Uncertain Significance. Algorithms developed to predict the effect of sequence changes on RNA splicing suggest that this variant may disrupt the consensus splice site. Advanced modeling of protein sequence and biophysical properties (such as structural, functional, and spatial information, amino acid conservation, physicochemical variation, residue mobility, and thermodynamic stability) has been performed at Invitae for this missense variant, however the output from this modeling did not meet the statistical confidence thresholds required to predict the impact of this variant on IMPG2 protein function. ClinVar contains an entry for this variant (Variation ID: 1046682). This variant has not been reported in the literature in individuals affected with IMPG2-related conditions. This variant is present in population databases (rs372789677, gnomAD 0.002%). This sequence change replaces arginine, which is basic and polar, with cysteine, which is neutral and slightly polar, at codon 291 of the IMPG2 protein (p.Arg291Cys).

Blueprint Genetics
Classification: Uncertain significance. Last evaluated: 2019-09-11. Review status: criteria provided, single submitter. Criteria: ACMG Guidelines, 2015. Collection method: clinical testing. Allele origin: germline.